The following is an entry in ClinVar:

ClinVar aggregate classification (germline): Likely pathogenic (1 of 4 stars; one submission).

Conditions:
Argininosuccinate lyase deficiency. Also called: ARGININOSUCCINIC ACID LYASE DEFICIENCY; ASL DEFICIENCY; Argininosuccinic aciduria. Identifiers: Orphanet 23, MedGen C0268547, MONDO:0008815, OMIM 207900, HP:0025630.

Submission:

Myriad Genetics, Inc.
Classification: Likely pathogenic for Argininosuccinate lyase deficiency. Last evaluated: 2021-12-16. Review status: criteria provided, single submitter. Criteria: Myriad Women's Health Autosomal Recessive and X-Linked Classification Criteria (2021). Collection method: clinical testing. Allele origin: unknown.
Comment: NM_001024943.1(ASL):c.243_244delGA(N82Lfs*3) is expected to be pathogenic in the context of argininosuccinic aciduria. This variant is predicted to lead to an abnormal or absent protein product due to the creation of a premature termination codon in ASL, a gene where loss-of-function variants are known to be pathogenic. Please note: this variant was assessed in the context of healthy population screening.

NM_000048.4(ASL):c.243_244del (p.Asn82fs)

Gene: ASL (argininosuccinate lyase; plus strand). Cytogenetic location: 7q11.21.
Variant type: Deletion.
Coding change: c.243_244del on transcript NM_000048.4 (MANE Select); coding-DNA positions 243 to 244, 2 bases deleted (GA; older notation c.243_244delGA).
Protein change: p.Asn82fs; shifts the reading frame from asparagine 82.
Molecular consequence: frameshift variant.
Genome position (GRCh38, 1-based): chr7:66,082,403-66,082,404, GA deleted. VCF-style (leftmost placement, unchanged base first): chr7-66082402-TGA-T. GRCh37 (hg19) VCF-style: chr7-65547389-TGA-T.
Other names: c.243_244del, p.Asn82fs (NM_001024943.2, NM_001024944.2, NM_001024946.2); short protein forms N82fs.
Identifiers: ClinVar variation 1726369 (VCV001726369.2), dbSNP rs2484995561, ClinGen allele CA2580077293.